The following is an entry in ClinVar:

NM_001267550.2(TTN):c.23013T>C (p.Ala7671=)

Gene: TTN (titin; minus strand). Cytogenetic location: 2q31.2.
Variant type: single nucleotide variant.
Coding change: c.23013T>C on transcript NM_001267550.2 (MANE Select); coding-DNA position 23013, T replaced by C.
Protein change: p.Ala7671=; no amino-acid change (alanine 7671 retained).
Molecular consequence: synonymous variant. On other transcripts: intron variant (3).
Genome position (GRCh38, 1-based): chr2:178,721,006, A>G on the plus strand (T>C on the coding strand, the complement: TTN is on the minus strand). VCF-style: chr2-178721006-A-G. GRCh37 (hg19) VCF-style: chr2-179585733-A-G.
Other names: c.22062T>C, p.Ala7354= (NM_001256850.1); c.19281T>C, p.Ala6427= (NM_133378.4); c.13282+17076T>C (NM_003319.4); c.13858+17076T>C (NM_133437.4); c.13657+17076T>C (NM_133432.3).
Identifiers: ClinVar variation 2941196 (VCV002941196.4), dbSNP rs905453357, ClinGen allele CA60972313.
Genomic context (GRCh38, chr2:178,721,006, plus strand): 5'-GCTGGCGTCACCAACACCATTATGAGCCTCACAAATGTAGTCCCCGCTGTCTTCAGCACT[A>G]GCTTCATTGATCGTAAGCAATGCCACAGAATTAATGAATGACATGTTGTATTTCCAACTT-3'
Protein context (NP_001254479.2, residues 7661-7681): NSVALLTINE[Ala7671=]SAEDSGDYIC

ClinVar aggregate classification (germline): Likely benign. Review status: criteria provided, multiple submitters, no conflicts (2 of 4 stars). 2 submissions from 2 submitters: Likely benign (2). Last evaluated 2026-08-01.

Conditions:
Dilated cardiomyopathy 1G (CMD1G). Identifiers: Orphanet 154, MedGen C1858763, MONDO:0011400, OMIM 604145.
Autosomal recessive limb-girdle muscular dystrophy type 2J (LGMDR10). Also called: MUSCULAR DYSTROPHY, LIMB-GIRDLE, AUTOSOMAL RECESSIVE 10; Limb-girdle muscular dystrophy, type 2J. Identifiers: Orphanet 140922, MedGen C1837342, MONDO:0012127, OMIM 608807.

Allele frequency attached by ClinVar (database versions not stated): gnomAD exomes below 0.00001.
gnomAD v4.1: 5 of 1,613,312 alleles (0.00031%); highest among the groups gnomAD compares: Admixed American, 0.005%; no homozygotes.

Submissions (2):

CeGaT Center for Human Genetics Tuebingen
Classification: Likely benign. Last evaluated: 2026-08-01. Review status: criteria provided, single submitter. Criteria: CeGaT Center For Human Genetics Tuebingen Variant Classification Criteria Version 2. Collection method: clinical testing. Allele origin: germline. Affected: yes. Observed: 1 variant allele.
Comment: TTN: BP4, BP7

Labcorp Genetics (formerly Invitae), Labcorp
Classification: Likely benign for Dilated cardiomyopathy 1G; Autosomal recessive limb-girdle muscular dystrophy type 2J. Last evaluated: 2023-05-24. Review status: criteria provided, single submitter. Criteria: Invitae Variant Classification Sherloc (09022015). Collection method: clinical testing. Allele origin: germline.